The following is an entry in ClinVar:

ClinVar aggregate classification (germline): Benign. Review status: criteria provided, multiple submitters, no conflicts (2 of 4 stars). 3 submissions from 3 submitters: Benign (3). Last evaluated 2021-12-01.

Conditions:
Hereditary spastic paraplegia 31. Also called: SPASTIC PARAPLEGIA 31, AUTOSOMAL DOMINANT. Identifiers: Orphanet 101011, MedGen C1853247, MONDO:0012453, OMIM 610250.

Allele frequency attached by ClinVar (database versions not stated): gnomAD 0.03644 and 0.03801; TOPMed 0.04067; 1000 Genomes Project 0.04812; 1000 Genomes Project 30x 0.05059.

Submissions (3):

GeneDx
Classification: Benign. Last evaluated: 2021-12-01. Review status: criteria provided, single submitter. Criteria: GeneDx Variant Classification Process June 2021. Collection method: clinical testing. Allele origin: germline. Affected: yes.

Illumina Laboratory Services, Illumina
Classification: Benign for Hereditary spastic paraplegia 31. Last evaluated: 2017-04-27. Review status: criteria provided, single submitter. Criteria: ICSL Variant Classification Criteria 13 December 2019. Collection method: clinical testing. Allele origin: germline.
Comment: This variant was observed as part of a predisposition screen in an ostensibly healthy population. A literature search was performed for the gene, cDNA change, and amino acid change (where applicable). No publications were found based on this search. Allele frequency data from public databases was too high to be consistent with this variant causing disease. Therefore, this variant is classified as benign.

Breakthrough Genomics
Classification: Benign. Review status: criteria provided, single submitter. Criteria: ACMG Guidelines, 2015. Collection method: not provided. Allele origin: germline. Inheritance: Autosomal recessive inheritance. Affected: yes.

NM_001371279.1(REEP1):c.*2825A>C

Gene: REEP1 (receptor accessory protein 1; minus strand). Cytogenetic location: 2p11.2.
Variant type: single nucleotide variant.
Coding change: c.*2825A>C on transcript NM_001371279.1 (MANE Select); 2825 bases downstream of the stop codon, A replaced by C.
Molecular consequence: 3 prime UTR variant.
Genome position (GRCh38, 1-based): chr2:86,214,214, T>G on the plus strand (A>C on the coding strand, the complement: REEP1 is on the minus strand). VCF-style: chr2-86214214-T-G. GRCh37 (hg19) VCF-style: chr2-86441337-T-G.
Other names: c.*2886A>C (NM_001164730.2, NM_001164731.2, NM_022912.3); c.*2825A>C (NM_001164732.2, NM_001371280.1).
Identifiers: ClinVar variation 337346 (VCV000337346.7), dbSNP rs7580424, ClinGen allele CA10614575.